The following is an entry in ClinVar:

NM_000548.5(TSC2):c.2656G>C (p.Val886Leu)

Gene: TSC2 (TSC complex subunit 2; plus strand). Cytogenetic location: 16p13.3.
Variant type: single nucleotide variant.
Coding change: c.2656G>C on transcript NM_000548.5 (MANE Select); coding-DNA position 2656, G replaced by C.
Protein change: p.Val886Leu; replaces valine 886 with leucine.
Molecular consequence: missense variant.
Genome position (GRCh38, 1-based): chr16:2,076,084, G>C. VCF-style: chr16-2076084-G-C. GRCh37 (hg19) VCF-style: chr16-2126085-G-C.
Other names: c.2656G>C, p.Val886Leu (NM_001077183.3, NM_001114382.3, NM_001363528.2 and 3 more transcripts); c.2545G>C, p.Val849Leu (NM_001318827.2); c.2509G>C, p.Val837Leu (NM_001318829.2); c.2056G>C, p.Val686Leu (NM_001318831.2); c.2689G>C, p.Val897Leu (NM_001318832.2); short protein forms V886L, V837L, V897L, V686L, V849L.
Identifiers: ClinVar variation 422850 (VCV000422850.30), dbSNP rs999523698, ClinGen allele CA16620093.

ClinVar aggregate classification (germline): Conflicting classifications of pathogenicity. Review status: criteria provided, conflicting classifications (1 of 4 stars). 6 submissions from 6 submitters: Uncertain significance (5); Benign (1). Last evaluated 2026-01-31.

Conditions:
Hereditary cancer-predisposing syndrome. Also called: Tumor predisposition; Hereditary neoplastic syndrome; Hereditary Cancer Syndrome; Neoplastic Syndromes, Hereditary. Identifiers: Orphanet 140162, MedGen C0027672, MeSH D009386, MONDO:0015356.
Tuberous sclerosis syndrome (TSC). Also called: Tuberous Sclerosis Complex; Tuberous sclerosis. Identifiers: Orphanet 805, MedGen C0041341, MONDO:0001734.
Tuberous sclerosis 2 (TSC2). Identifiers: Orphanet 805, MedGen C1860707, MONDO:0013199, OMIM 613254.

gnomAD v4.1: 2 of 1,613,890 alleles (0.00012%); highest among the groups gnomAD compares: Non-Finnish European, 0.00017%; no homozygotes.

Submissions (6):

Labcorp Genetics (formerly Invitae), Labcorp
Classification: Benign for Tuberous sclerosis 2. Last evaluated: 2026-01-31. Review status: criteria provided, single submitter. Criteria: Invitae Variant Classification Sherloc (09022015). Collection method: clinical testing. Allele origin: germline.

Color Diagnostics, LLC DBA Color Health
Classification: Uncertain significance for Tuberous sclerosis syndrome. Last evaluated: 2025-07-02. Review status: criteria provided, single submitter. Criteria: ACMG Guidelines, 2015. Collection method: clinical testing. Allele origin: germline.
Comment: This missense variant replaces valine with leucine at codon 886 of the TSC2 protein. Computational prediction suggests that this variant may have deleterious impact on protein structure and function. To our knowledge, functional studies have not been reported for this variant. This variant has not been reported in individuals affected with TSC2-related disorders in the literature. This variant has not been identified in the general population by the Genome Aggregation Database (gnomAD). The available evidence is insufficient to determine the role of this variant in disease conclusively. Therefore, this variant is classified as a Variant of Uncertain Significance.

GeneDx
Classification: Uncertain significance. Last evaluated: 2024-12-09. Review status: criteria provided, single submitter. Criteria: GeneDx Variant Classification Process June 2021. Collection method: clinical testing. Allele origin: germline. Affected: yes.
Comment: Not observed at significant frequency in large population cohorts (gnomAD); In silico analysis supports that this missense variant has a deleterious effect on protein structure/function; Has not been previously published as pathogenic or benign to our knowledge

CeGaT Center for Human Genetics Tuebingen
Classification: Uncertain significance. Last evaluated: 2024-11-01. Review status: criteria provided, single submitter. Criteria: CeGaT Center For Human Genetics Tuebingen Variant Classification Criteria Version 2. Collection method: clinical testing. Allele origin: germline. Affected: yes. Observed: 1 variant allele.
Comment: TSC2: PM2, PP3

Ambry Genetics
Classification: Uncertain significance for Hereditary cancer-predisposing syndrome. Last evaluated: 2024-09-24. Review status: criteria provided, single submitter. Criteria: Ambry Variant Classification Scheme 2023. Collection method: clinical testing. Allele origin: germline.
Comment: The p.V886L variant (also known as c.2656G>C), located in coding exon 23 of the TSC2 gene, results from a G to C substitution at nucleotide position 2656. The valine at codon 886 is replaced by leucine, an amino acid with highly similar properties. This amino acid position is highly conserved in available vertebrate species. In addition, this alteration is predicted to be deleterious by in silico analysis. Based on the available evidence, the clinical significance of this variant remains unclear.

Genome-Nilou Lab
Classification: Uncertain significance for Tuberous sclerosis 2. Last evaluated: 2021-11-07. Review status: criteria provided, single submitter. Criteria: ACMG Guidelines, 2015. Collection method: clinical testing. Allele origin: germline. Affected: no.